The following is an entry in ClinVar:

NM_013382.7(POMT2):c.*1087C>T

Gene: POMT2 (protein O-mannosyltransferase 2; minus strand). Cytogenetic location: 14q24.3.
Variant type: single nucleotide variant.
Coding change: c.*1087C>T on transcript NM_013382.7 (MANE Select); 1087 bases downstream of the stop codon, C replaced by T.
Molecular consequence: 3 prime UTR variant.
Genome position (GRCh38, 1-based): chr14:77,276,289, G>A on the plus strand (C>T on the coding strand, the complement: POMT2 is on the minus strand). VCF-style: chr14-77276289-G-A. GRCh37 (hg19) VCF-style: chr14-77742632-G-A.
Identifiers: ClinVar variation 314532 (VCV000314532.5), dbSNP rs59725094, ClinGen allele CA10635393.

ClinVar aggregate classification (germline): Benign (1 of 4 stars; one submission).

Conditions:
Autosomal recessive limb-girdle muscular dystrophy type 2N. Also called: MUSCULAR DYSTROPHY-DYSTROGLYCANOPATHY, LIMB-GIRDLE, POMT2-RELATED; Muscular dystrophy-dystroglycanopathy (limb-girdle), type C, 2. Identifiers: Orphanet 206559, MedGen C3150418, MONDO:0013162, OMIM 613158.

Allele frequency attached by ClinVar (database versions not stated): gnomAD 0.01868 and 0.01993; 1000 Genomes Project 0.01877; TOPMed 0.02084; 1000 Genomes Project 30x 0.02108.

Submission:

Illumina Laboratory Services, Illumina
Classification: Benign for Autosomal recessive limb-girdle muscular dystrophy type 2N. Last evaluated: 2018-01-13. Review status: criteria provided, single submitter. Criteria: ICSL Variant Classification Criteria 13 December 2019. Collection method: clinical testing. Allele origin: germline.
Comment: This variant was observed in the ICSL laboratory as part of a predisposition screen in an ostensibly healthy population. It had not been previously curated by ICSL or reported in the Human Gene Mutation Database (HGMD: prior to June 1st, 2018), and was therefore a candidate for classification through an automated scoring system. Utilizing variant allele frequency, disease prevalence and penetrance estimates, and inheritance mode, an automated score was calculated to assess if this variant is too frequent to cause the disease. Based on the score and internal cut-off values, a variant classified as benign is not then subjected to further curation. The score for this variant resulted in a classification of benign for this disease.